The following is an entry in ClinVar:

NM_021020.5(LZTS1):c.1526C>T (p.Ala509Val)

Gene: LZTS1 (leucine zipper tumor suppressor 1; minus strand). Cytogenetic location: 8p21.3.
Variant type: single nucleotide variant.
Coding change: c.1526C>T on transcript NM_021020.5 (MANE Select); coding-DNA position 1526, C replaced by T.
Protein change: p.Ala509Val; replaces alanine 509 with valine.
Molecular consequence: missense variant.
Genome position (GRCh38, 1-based): chr8:20,249,987, G>A on the plus strand (C>T on the coding strand, the complement: LZTS1 is on the minus strand). VCF-style: chr8-20249987-G-A. GRCh37 (hg19) VCF-style: chr8-20107498-G-A.
Other names: c.1526C>T, p.Ala509Val (NM_001362884.2); short protein forms A509V.
Identifiers: ClinVar variation 3638766 (VCV003638766.2).

ClinVar aggregate classification (germline): Uncertain significance (1 of 4 stars; one submission).

gnomAD v4.1: 1 of 1,613,496 alleles (0.000062%); highest among the groups gnomAD compares: Middle Eastern, 0.017%; no homozygotes.

Submission:

Labcorp Genetics (formerly Invitae), Labcorp
Classification: Uncertain significance. Last evaluated: 2024-02-04. Review status: criteria provided, single submitter. Criteria: Invitae Variant Classification Sherloc (09022015). Collection method: clinical testing. Allele origin: germline.
Comment: This sequence change replaces alanine, which is neutral and non-polar, with valine, which is neutral and non-polar, at codon 509 of the LZTS1 protein (p.Ala509Val). This variant is not present in population databases (gnomAD no frequency). This variant has not been reported in the literature in individuals affected with LZTS1-related conditions. Advanced modeling of protein sequence and biophysical properties (such as structural, functional, and spatial information, amino acid conservation, physicochemical variation, residue mobility, and thermodynamic stability) performed at Invitae indicates that this missense variant is not expected to disrupt LZTS1 protein function with a negative predictive value of 80%. In summary, the available evidence is currently insufficient to determine the role of this variant in disease. Therefore, it has been classified as a Variant of Uncertain Significance.